The following is an entry in ClinVar:

ClinVar aggregate classification (germline): Uncertain significance. Review status: criteria provided, multiple submitters, no conflicts (2 of 4 stars). 2 submissions from 2 submitters: Uncertain significance (2). Last evaluated 2023-12-14.

Allele frequency attached by ClinVar (database versions not stated): TOPMed below 0.00001; gnomAD 0.00001.
gnomAD v4.1: 6 of 1,614,004 alleles (0.00037%); highest among the groups gnomAD compares: Non-Finnish European, 0.00051%; no homozygotes.

Submissions (2):

Centre of Medical Genetics, University Hospital Muenster
Classification: Uncertain significance. Last evaluated: 2023-12-14. Review status: criteria provided, single submitter. Criteria: ACMG Guidelines, 2015. Collection method: clinical testing. Allele origin: unknown. Affected: yes. Observed: 1 variant allele, 1 heterozygote.
Comment: ACMG categories: PM2

CeGaT Center for Human Genetics Tuebingen
Classification: Uncertain significance. Last evaluated: 2021-04-01. Review status: criteria provided, single submitter. Criteria: CeGaT Center For Human Genetics Tuebingen Variant Classification Criteria Version 2. Collection method: clinical testing. Allele origin: germline. Affected: yes. Observed: 1 variant allele.

NM_021629.4(GNB4):c.541A>G (p.Thr181Ala)

Gene: GNB4 (G protein subunit beta 4; minus strand). Cytogenetic location: 3q26.33.
Variant type: single nucleotide variant.
Coding change: c.541A>G on transcript NM_021629.4 (MANE Select); coding-DNA position 541, A replaced by G.
Protein change: p.Thr181Ala; replaces threonine 181 with alanine.
Molecular consequence: missense variant.
Genome position (GRCh38, 1-based): chr3:179,413,570, T>C on the plus strand (A>G on the coding strand, the complement: GNB4 is on the minus strand). VCF-style: chr3-179413570-T-C. GRCh37 (hg19) VCF-style: chr3-179131358-T-C.
Other names: short protein forms T181A.
Identifiers: ClinVar variation 1176163 (VCV001176163.37), dbSNP rs1304927674, ClinGen allele CA355469586.